The following is an entry in ClinVar:

NM_006939.4(SOS2):c.3805A>G (p.Arg1269Gly)

Gene: SOS2 (SOS Ras/Rho guanine nucleotide exchange factor 2; minus strand). Cytogenetic location: 14q21.3.
Variant type: single nucleotide variant.
Coding change: c.3805A>G on transcript NM_006939.4 (MANE Select); coding-DNA position 3805, A replaced by G.
Protein change: p.Arg1269Gly; replaces arginine 1269 with glycine.
Molecular consequence: missense variant.
Genome position (GRCh38, 1-based): chr14:50,118,538, T>C on the plus strand (A>G on the coding strand, the complement: SOS2 is on the minus strand). VCF-style: chr14-50118538-T-C. GRCh37 (hg19) VCF-style: chr14-50585256-T-C.
Other names: c.3706A>G, p.Arg1236Gly (NM_001411020.1); short protein forms R1236G, R1269G.
Identifiers: ClinVar variation 2644222 (VCV002644222.23), dbSNP rs2502755779, ClinGen allele CA389637660.

ClinVar aggregate classification (germline): Uncertain significance (1 of 4 stars; one submission).

Submission:

CeGaT Center for Human Genetics Tuebingen
Classification: Uncertain significance. Last evaluated: 2023-06-01. Review status: criteria provided, single submitter. Criteria: CeGaT Center For Human Genetics Tuebingen Variant Classification Criteria Version 2. Collection method: clinical testing. Allele origin: germline. Affected: yes. Observed: 1 variant allele.
Comment: SOS2: PM2